The following is an entry in ClinVar:

NM_001918.5(DBT):c.1372G>T (p.Ala458Ser)

Gene: DBT (dihydrolipoamide branched chain transacylase E2; minus strand). Cytogenetic location: 1p21.2.
Variant type: single nucleotide variant.
Coding change: c.1372G>T on transcript NM_001918.5 (MANE Select); coding-DNA position 1372, G replaced by T.
Protein change: p.Ala458Ser; replaces alanine 458 with serine.
Molecular consequence: missense variant. On other transcripts: non-coding transcript variant (4).
Genome position (GRCh38, 1-based): chr1:100,196,332, C>A on the plus strand (G>T on the coding strand, the complement: DBT is on the minus strand). VCF-style: chr1-100196332-C-A. GRCh37 (hg19) VCF-style: chr1-100661888-C-A.
Other names: c.829G>T, p.Ala277Ser (NM_001399969.1, NM_001399972.1); short protein forms A277S, A458S.
Identifiers: ClinVar variation 2418660 (VCV002418660.3), dbSNP rs763881630, ClinGen allele CA969464.

ClinVar aggregate classification (germline): Uncertain significance (1 of 4 stars; one submission).

Conditions:
Maple syrup urine disease (MSUD). Identifiers: Orphanet 511, MedGen C0024776, MeSH D008375, MONDO:0009563. Disease mechanism: loss of function.

Allele frequency attached by ClinVar (database versions not stated): ExAC 0.00001; gnomAD 0.00003.
gnomAD v4.1: 15 of 1,597,294 alleles (0.00094%); highest among the groups gnomAD compares: Non-Finnish European, 0.0013%; no homozygotes.

Submission:

Labcorp Genetics (formerly Invitae), Labcorp
Classification: Uncertain significance for Maple syrup urine disease. Last evaluated: 2022-07-25. Review status: criteria provided, single submitter. Criteria: Invitae Variant Classification Sherloc (09022015). Collection method: clinical testing. Allele origin: germline.
Comment: This sequence change replaces alanine, which is neutral and non-polar, with serine, which is neutral and polar, at codon 458 of the DBT protein (p.Ala458Ser). This variant is present in population databases (rs763881630, gnomAD 0.0009%). This variant has not been reported in the literature in individuals affected with DBT-related conditions. Algorithms developed to predict the effect of missense changes on protein structure and function are either unavailable or do not agree on the potential impact of this missense change (SIFT: "Deleterious"; PolyPhen-2: "Possibly Damaging"; Align-GVGD: "Class C0"). In summary, the available evidence is currently insufficient to determine the role of this variant in disease. Therefore, it has been classified as a Variant of Uncertain Significance.